The following is an entry in ClinVar:

NM_000360.4(TH):c.846dup (p.Thr283fs)

Gene: TH (tyrosine hydroxylase; minus strand). Cytogenetic location: 11p15.5.
Variant type: Duplication.
Coding change: c.846dup on transcript NM_000360.4 (MANE Select); coding-DNA position 846, one base duplicated (C; older notation c.846dupC).
Protein change: p.Thr283fs; shifts the reading frame from threonine 283.
Molecular consequence: frameshift variant. On other transcripts: intron variant (2).
Genome position (GRCh38, 1-based): chr11:2,166,764, G duplicated on the plus strand (C on the coding strand, the reverse complement: TH is on the minus strand). VCF-style (leftmost placement, unchanged base first): chr11-2166763-T-TG. GRCh37 (hg19) VCF-style: chr11-2187993-T-TG.
Other names: c.858dup, p.Thr287fs (NM_001440535.1); c.939dup, p.Thr314fs (NM_199292.3); c.927dup, p.Thr310fs (NM_199293.3); c.696-215dup (NM_001440537.1); c.708-215dup (NM_001440536.1); short protein forms T283fs, T287fs, T310fs, T314fs.
Identifiers: ClinVar variation 5012246 (VCV005012246.1).

ClinVar aggregate classification (germline): Pathogenic (1 of 4 stars; one submission).

Conditions:
TH-deficient dopa-responsive dystonia. Also called: Segawa syndrome, autosomal recessive; Tyrosine Hydroxylase-Deficient Dopa-Responsive Dystonia; DYT-TH. Identifiers: Orphanet 101150, MedGen C2673535, MONDO:0011551, OMIM 605407.

Submission:

Myriad Genetics, Inc.
Classification: Pathogenic for TH-deficient dopa-responsive dystonia. Last evaluated: 2023-09-27. Review status: criteria provided, single submitter. Criteria: Myriad Autosomal Dominant, Autosomal Recessive and X-Linked Classification Criteria (2023). Collection method: clinical testing. Allele origin: unknown.
Comment: NM_199292.2(TH):c.939dupC(T314Hfs*43) is expected to be pathogenic in the context of tyrosine hydroxylase deficiency. This variant is predicted to lead to an abnormal or absent protein product due to the creation of a premature termination codon in TH, a gene where loss-of-function variants are known to be pathogenic. Please note: this variant was assessed in the context of healthy population screening.